The following is an entry in ClinVar:

NM_020832.3(ZNF687):c.2654G>A (p.Arg885His)

Gene: ZNF687 (zinc finger protein 687; plus strand). Cytogenetic location: 1q21.3.
Variant type: single nucleotide variant.
Coding change: c.2654G>A on transcript NM_020832.3 (MANE Select); coding-DNA position 2654, G replaced by A.
Protein change: p.Arg885His; replaces arginine 885 with histidine.
Molecular consequence: missense variant.
Genome position (GRCh38, 1-based): chr1:151,289,697, G>A. VCF-style: chr1-151289697-G-A. GRCh37 (hg19) VCF-style: chr1-151262173-G-A.
Other names: c.2654G>A, p.Arg885His (NM_001304763.2, NM_001304764.2); short protein forms R885H.
Identifiers: ClinVar variation 2973798 (VCV002973798.3), dbSNP rs753024676, ClinGen allele CA1088623.

ClinVar aggregate classification (germline): Uncertain significance (1 of 4 stars; one submission).

Allele frequency attached by ClinVar (database versions not stated): ExAC 0.00003.

Submission:

Labcorp Genetics (formerly Invitae), Labcorp
Classification: Uncertain significance. Last evaluated: 2024-01-07. Review status: criteria provided, single submitter. Criteria: Invitae Variant Classification Sherloc (09022015). Collection method: clinical testing. Allele origin: germline.
Comment: This sequence change replaces arginine, which is basic and polar, with histidine, which is basic and polar, at codon 885 of the ZNF687 protein (p.Arg885His). The frequency data for this variant in the population databases is considered unreliable, as metrics indicate poor data quality at this position in the gnomAD database. This variant has not been reported in the literature in individuals affected with ZNF687-related conditions. An algorithm developed to predict the effect of missense changes on protein structure and function (PolyPhen-2) suggests that this variant is likely to be tolerated. In summary, the available evidence is currently insufficient to determine the role of this variant in disease. Therefore, it has been classified as a Variant of Uncertain Significance.